The following is an entry in ClinVar:

ClinVar aggregate classification (germline): Uncertain significance (1 of 4 stars; one submission).

Submission:

GeneDx
Classification: Uncertain significance. Last evaluated: 2024-06-05. Review status: criteria provided, single submitter. Criteria: GeneDx Variant Classification Process June 2021. Collection method: clinical testing. Allele origin: germline. Affected: yes.
Comment: Not observed at significant frequency in large population cohorts (gnomAD); In silico analysis supports that this missense variant has a deleterious effect on protein structure/function; Has not been previously published as pathogenic or benign to our knowledge

NM_138295.5(PKD1L1):c.3761G>A (p.Gly1254Asp)

Gene: PKD1L1 (polycystin 1 like 1, transient receptor potential channel interacting; minus strand). Cytogenetic location: 7p12.3.
Variant type: single nucleotide variant.
Coding change: c.3761G>A on transcript NM_138295.5 (MANE Select); coding-DNA position 3761, G replaced by A.
Protein change: p.Gly1254Asp; replaces glycine 1254 with aspartic acid.
Molecular consequence: missense variant.
Genome position (GRCh38, 1-based): chr7:47,876,120, C>T on the plus strand (G>A on the coding strand, the complement: PKD1L1 is on the minus strand). VCF-style: chr7-47876120-C-T. GRCh37 (hg19) VCF-style: chr7-47915718-C-T.
Other names: short protein forms G1254D.
Identifiers: ClinVar variation 3384398 (VCV003384398.1).